The following is an entry in ClinVar:

NM_001372051.1(CASP8):c.1211C>G (p.Ala404Gly)

Gene: CASP8 (caspase 8; plus strand). Cytogenetic location: 2q33.1.
Variant type: single nucleotide variant.
Coding change: c.1211C>G on transcript NM_001372051.1 (MANE Select); coding-DNA position 1211, C replaced by G.
Protein change: p.Ala404Gly; replaces alanine 404 with glycine.
Molecular consequence: missense variant. On other transcripts: non-coding transcript variant (22), intron variant (1).
Genome position (GRCh38, 1-based): chr2:201,285,224, C>G. VCF-style: chr2-201285224-C-G. GRCh37 (hg19) VCF-style: chr2-202149947-C-G.
Other names: c.1166C>G, p.Ala389Gly (NM_001080124.2, NM_001400658.1, NM_001400659.1 and 5 more transcripts); c.1388C>G, p.Ala463Gly (NM_001080125.2); c.1262C>G, p.Ala421Gly (NM_001228.5); c.1343C>G, p.Ala448Gly (NM_001400642.1); c.1244C>G, p.Ala415Gly (NM_001400645.1); c.1211C>G, p.Ala404Gly (NM_001400648.1, NM_001400651.1, NM_001400653.1 and 5 more transcripts); c.1142C>G, p.Ala381Gly (NM_001400664.1); c.1136C>G, p.Ala379Gly (NM_001400665.1); and 7 more; short protein forms A389G, A421G, A463G, A404G, A190G, A199G, A205G, A301G.
Identifiers: ClinVar variation 1377599 (VCV001377599.6), dbSNP rs2125489288, ClinGen allele CA350302357.
Genomic context (GRCh38, chr2:201,285,224, plus strand): 5'-ATTTATCATCACCTCAAACGAGATATATCCCGGATGAGGCTGACTTTCTGCTGGGGATGG[C>G]CACTGTGAATAACTGTGTTTCCTACCGAAACCCTGCAGAGGGAACCTGGTACATCCAGTC-3'
Protein context (NP_001358980.1, residues 394-414): PDEADFLLGM[Ala404Gly]TVNNCVSYRN

ClinVar aggregate classification (germline): Uncertain significance (1 of 4 stars; one submission).

Conditions:
Autoimmune lymphoproliferative syndrome type 2B. Also called: AUTOIMMUNE LYMPHOPROLIFERATIVE SYNDROME, TYPE IIB. Identifiers: Orphanet 275517, MedGen C1846545, MONDO:0011804, OMIM 607271.

Submission:

Labcorp Genetics (formerly Invitae), Labcorp
Classification: Uncertain significance for Autoimmune lymphoproliferative syndrome type 2B. Last evaluated: 2023-10-03. Review status: criteria provided, single submitter. Criteria: Invitae Variant Classification Sherloc (09022015). Collection method: clinical testing. Allele origin: germline.
Comment: This sequence change replaces alanine, which is neutral and non-polar, with glycine, which is neutral and non-polar, at codon 421 of the CASP8 protein (p.Ala421Gly). This variant is not present in population databases (gnomAD no frequency). This variant has not been reported in the literature in individuals affected with CASP8-related conditions. ClinVar contains an entry for this variant (Variation ID: 1377599). Advanced modeling of protein sequence and biophysical properties (such as structural, functional, and spatial information, amino acid conservation, physicochemical variation, residue mobility, and thermodynamic stability) performed at Invitae indicates that this missense variant is expected to disrupt CASP8 protein function. In summary, the available evidence is currently insufficient to determine the role of this variant in disease. Therefore, it has been classified as a Variant of Uncertain Significance.